The following is an entry in ClinVar:

ClinVar aggregate classification (germline): Uncertain significance (1 of 4 stars; one submission).

Conditions:
Multiple congenital anomalies-hypotonia-seizures syndrome 2 (MCAHS2). Also called: GLYCOSYLPHOSPHATIDYLINOSITOL BIOSYNTHESIS DEFECT 4; EPILEPTIC ENCEPHALOPATHY, EARLY INFANTILE, 20. Identifiers: Orphanet 300496, MedGen C3275508, MONDO:0010466, OMIM 300868.

gnomAD v4.1: 2 of 1,211,766 alleles (0.00017%); highest among the groups gnomAD compares: Non-Finnish European, 0.00022%; no homozygotes.

Submission:

Labcorp Genetics (formerly Invitae), Labcorp
Classification: Uncertain significance for Multiple congenital anomalies-hypotonia-seizures syndrome 2. Last evaluated: 2022-12-20. Review status: criteria provided, single submitter. Criteria: Invitae Variant Classification Sherloc (09022015). Collection method: clinical testing. Allele origin: germline.
Comment: In summary, the available evidence is currently insufficient to determine the role of this variant in disease. Therefore, it has been classified as a Variant of Uncertain Significance. Algorithms developed to predict the effect of missense changes on protein structure and function output the following: SIFT: "Tolerated"; PolyPhen-2: "Benign"; Align-GVGD: "Class C0". The glycine amino acid residue is found in multiple mammalian species, which suggests that this missense change does not adversely affect protein function. This variant has not been reported in the literature in individuals affected with PIGA-related conditions. This variant is not present in population databases (gnomAD no frequency). This sequence change replaces arginine, which is basic and polar, with glycine, which is neutral and non-polar, at codon 31 of the PIGA protein (p.Arg31Gly).

NM_002641.4(PIGA):c.91C>G (p.Arg31Gly)

Gene: PIGA (phosphatidylinositol glycan anchor biosynthesis class A; minus strand). Cytogenetic location: Xp22.2.
Variant type: single nucleotide variant.
Coding change: c.91C>G on transcript NM_002641.4 (MANE Select); coding-DNA position 91, C replaced by G.
Protein change: p.Arg31Gly; replaces arginine 31 with glycine.
Molecular consequence: missense variant. On other transcripts: non-coding transcript variant (1), intron variant (1).
Genome position (GRCh38, 1-based): chrX:15,331,840, G>C on the plus strand (C>G on the coding strand, the complement: PIGA is on the minus strand). VCF-style: chrX-15331840-G-C. GRCh37 (hg19) VCF-style: chrX-15349962-G-C.
Other names: c.13+3661C>G (NM_020473.3); short protein forms R31G.
Identifiers: ClinVar variation 2779376 (VCV002779376.3), dbSNP rs780532806, ClinGen allele CA412341279.